The following is an entry in ClinVar:

NM_001868.4(CPA1):c.523G>A (p.Asp175Asn)

Gene: CPA1 (carboxypeptidase A1; plus strand). Cytogenetic location: 7q32.2.
Variant type: single nucleotide variant.
Coding change: c.523G>A on transcript NM_001868.4 (MANE Select); coding-DNA position 523, G replaced by A.
Protein change: p.Asp175Asn; replaces aspartic acid 175 with asparagine.
Molecular consequence: missense variant.
Genome position (GRCh38, 1-based): chr7:130,383,430, G>A. VCF-style: chr7-130383430-G-A. GRCh37 (hg19) VCF-style: chr7-130023271-G-A.
Other names: c.523G>A (NM_001868.2); short protein forms D175N.
Identifiers: ClinVar variation 1025945 (VCV001025945.12), dbSNP rs782556361, ClinGen allele CA4484828.

ClinVar aggregate classification (germline): Uncertain significance. Review status: criteria provided, multiple submitters, no conflicts (2 of 4 stars). 2 submissions from 2 submitters: Uncertain significance (2). Last evaluated 2025-07-28.

Conditions:
Hereditary pancreatitis (PCTT). Also called: PRSS1-Related Hereditary Pancreatitis; Hereditary chronic pancreatitis. Identifiers: Orphanet 676, MedGen C0238339, MONDO:0008185, OMIM 167800.

Allele frequency attached by ClinVar (database versions not stated): gnomAD exomes 0.00001 and 0.00002; gnomAD 0.00002; TOPMed 0.00002; ExAC 0.00005.
gnomAD v4.1: 16 of 1,614,052 alleles (0.00099%); highest among the groups gnomAD compares: East Asian, 0.0022%; no homozygotes.

Submissions (2):

Ambry Genetics
Classification: Uncertain significance for Hereditary pancreatitis. Last evaluated: 2025-07-28. Review status: criteria provided, single submitter. Criteria: Ambry Variant Classification Scheme 2023. Collection method: clinical testing. Allele origin: germline.
Comment: The p.D175N variant (also known as c.523G>A), located in coding exon 5 of the CPA1 gene, results from a G to A substitution at nucleotide position 523. The aspartic acid at codon 175 is replaced by asparagine, an amino acid with highly similar properties. This amino acid position is highly conserved in available vertebrate species. In addition, this alteration is predicted to be tolerated by in silico analysis. Since supporting evidence is limited at this time, the clinical significance of this alteration remains unclear.

Labcorp Genetics (formerly Invitae), Labcorp
Classification: Uncertain significance. Last evaluated: 2025-06-18. Review status: criteria provided, single submitter. Criteria: Invitae Variant Classification Sherloc (09022015). Collection method: clinical testing. Allele origin: germline.
Comment: This sequence change replaces aspartic acid, which is acidic and polar, with asparagine, which is neutral and polar, at codon 175 of the CPA1 protein (p.Asp175Asn). This variant is present in population databases (rs782556361, gnomAD 0.006%). This variant has not been reported in the literature in individuals affected with CPA1-related conditions. ClinVar contains an entry for this variant (Variation ID: 1025945). Invitae Evidence Modeling of protein sequence and biophysical properties (such as structural, functional, and spatial information, amino acid conservation, physicochemical variation, residue mobility, and thermodynamic stability) indicates that this missense variant is not expected to disrupt CPA1 protein function with a negative predictive value of 80%. In summary, the available evidence is currently insufficient to determine the role of this variant in disease. Therefore, it has been classified as a Variant of Uncertain Significance.